The following is an entry in ClinVar:

ClinVar aggregate classification (germline): Benign/Likely benign. Review status: criteria provided, multiple submitters, no conflicts (2 of 4 stars). 3 submissions from 3 submitters: Benign (1); Likely benign (2). Last evaluated 2024-05-02.

Conditions:
Hereditary cancer-predisposing syndrome. Also called: Neoplastic Syndromes, Hereditary; Tumor predisposition; Hereditary Cancer Syndrome; Hereditary neoplastic syndrome. Identifiers: Orphanet 140162, MedGen C0027672, MeSH D009386, MONDO:0015356.
Familial cancer of breast. Also called: BREAST CANCER, FAMILIAL; hereditary breast carcinoma; Hereditary breast cancer. Identifiers: Orphanet 227535, MedGen C0346153, MONDO:0016419, OMIM 114480. Disease mechanism: loss of function.

gnomAD v4.1: 4 of 1,613,808 alleles (0.00025%); highest among the groups gnomAD compares: Non-Finnish European, 0.00017%; no homozygotes.

Submissions (3):

Myriad Genetics, Inc.
Classification: Benign for Familial cancer of breast. Last evaluated: 2024-05-02. Review status: criteria provided, single submitter. Criteria: Myriad Autosomal Dominant, Autosomal Recessive and X-Linked Classification Criteria (2023). Collection method: clinical testing. Allele origin: unknown.
Comment: This variant is considered benign. This variant is a silent/synonymous amino acid change and it is not expected to impact splicing.

Color Diagnostics, LLC DBA Color Health
Classification: Likely benign for Hereditary cancer-predisposing syndrome. Last evaluated: 2018-06-12. Review status: criteria provided, single submitter. Criteria: ACMG Guidelines, 2015. Collection method: clinical testing. Allele origin: germline.

Ambry Genetics
Classification: Likely benign for Hereditary cancer-predisposing syndrome. Last evaluated: 2015-06-29. Review status: criteria provided, single submitter. Criteria: Ambry Variant Classification Scheme 2023. Collection method: clinical testing. Allele origin: germline.

NM_000051.4(ATM):c.1929T>A (p.Leu643=)

Gene: ATM (ATM serine/threonine kinase; plus strand). Cytogenetic location: 11q22.3.
Variant type: single nucleotide variant.
Coding change: c.1929T>A on transcript NM_000051.4 (MANE Select); coding-DNA position 1929, T replaced by A.
Protein change: p.Leu643=; no amino-acid change (leucine 643 retained).
Molecular consequence: synonymous variant.
Genome position (GRCh38, 1-based): chr11:108,253,844, T>A. VCF-style: chr11-108253844-T-A. GRCh37 (hg19) VCF-style: chr11-108124571-T-A.
Other names: c.1929T>A, p.Leu643= (NM_001351834.2).
Identifiers: ClinVar variation 232669 (VCV000232669.8), dbSNP rs876659911, ClinGen allele CA10579031.